The following is an entry in ClinVar:

ClinVar aggregate classification (germline): Uncertain significance (1 of 4 stars; one submission).

Submission:

Center for Genomic Medicine, Rigshospitalet, Copenhagen University Hospital
Classification: Uncertain significance. Last evaluated: 2025-12-29. Review status: criteria provided, single submitter. Criteria: ACMG Guidelines, 2015. Collection method: clinical testing. Allele origin: germline.
Comment: Classification criteria: BP4_Strong

NM_032043.3(BRIP1):c.3134C>T (p.Thr1045Ile)

Gene: BRIP1 (BRCA1 interacting DNA helicase 1; minus strand). Cytogenetic location: 17q23.2.
Variant type: single nucleotide variant.
Coding change: c.3134C>T on transcript NM_032043.3 (MANE Select); coding-DNA position 3134, C replaced by T.
Protein change: p.Thr1045Ile; replaces threonine 1045 with isoleucine.
Molecular consequence: missense variant.
Genome position (GRCh38, 1-based): chr17:61,683,912, G>A on the plus strand (C>T on the coding strand, the complement: BRIP1 is on the minus strand). VCF-style: chr17-61683912-G-A. GRCh37 (hg19) VCF-style: chr17-59761273-G-A.
Other names: short protein forms T1045I.
Identifiers: ClinVar variation 4539206 (VCV004539206.1).